The following is an entry in ClinVar:

ClinVar aggregate classification (germline): Uncertain significance (1 of 4 stars; one submission).

Conditions:
Hereditary cancer-predisposing syndrome. Also called: Hereditary Cancer Syndrome; Neoplastic Syndromes, Hereditary; Tumor predisposition; Hereditary neoplastic syndrome. Identifiers: Orphanet 140162, MedGen C0027672, MeSH D009386, MONDO:0015356.

Submission:

Ambry Genetics
Classification: Uncertain significance for Hereditary cancer-predisposing syndrome. Last evaluated: 2016-04-29. Review status: criteria provided, single submitter. Criteria: Ambry Variant Classification Scheme 2023. Collection method: clinical testing. Allele origin: germline.
Comment: The p.V1569D variant (also known as c.4706T>A), located in coding exon 30 of the ATM gene, results from a T to A substitution at nucleotide position 4706. The valine at codon 1569 is replaced by aspartic acid, an amino acid with highly dissimilar properties. This variant was not reported in population based cohorts in the following databases: Database of Single Nucleotide Polymorphisms (dbSNP), NHLBI Exome Sequencing Project (ESP), and 1000 Genomes Project. In the ESP, this variant was not observed in 6495 samples (12990 alleles) with coverage at this position. To date, this alteration has been detected with an allele frequency of approximately 0.001% (greater than 125000 alleles tested) in our clinical cohort. This amino acid position is not well conserved in available vertebrate species. In addition, this alteration is predicted to be tolerated by in silico analysis. Since supporting evidence is limited at this time, the clinical significance of this alteration remains unclear.

NM_000051.4(ATM):c.4706T>A (p.Val1569Asp)

Gene: ATM (ATM serine/threonine kinase; plus strand). Cytogenetic location: 11q22.3.
Variant type: single nucleotide variant.
Coding change: c.4706T>A on transcript NM_000051.4 (MANE Select); coding-DNA position 4706, T replaced by A.
Protein change: p.Val1569Asp; replaces valine 1569 with aspartic acid.
Molecular consequence: missense variant.
Genome position (GRCh38, 1-based): chr11:108,293,407, T>A. VCF-style: chr11-108293407-T-A. GRCh37 (hg19) VCF-style: chr11-108164134-T-A.
Other names: c.4706T>A, p.Val1569Asp (NM_001351834.2); short protein forms V1569D.
Identifiers: ClinVar variation 481239 (VCV000481239.5), dbSNP rs1555100549, ClinGen allele CA382534880.